The following is an entry in ClinVar:

ClinVar aggregate classification (germline): Uncertain significance (1 of 4 stars; one submission).

Conditions:
Intellectual disability, autosomal recessive 53 (NEDHSCA). Also called: GLYCOSYLPHOSPHATIDYLINOSITOL BIOSYNTHESIS DEFECT 13; Mental retardation, autosomal recessive 53; NEURODEVELOPMENTAL DISORDER WITH OR WITHOUT HYPOTONIA, SEIZURES, AND CEREBELLAR ATROPHY. Identifiers: Orphanet 488635, MedGen C4310794, MONDO:0014832, OMIM 616917.

Allele frequency attached by ClinVar (database versions not stated): gnomAD 0.00001.
gnomAD v4.1: 8 of 1,614,096 alleles (0.0005%); highest among the groups gnomAD compares: Non-Finnish European, 0.00068%; no homozygotes.

Submission:

Labcorp Genetics (formerly Invitae), Labcorp
Classification: Uncertain significance for Intellectual disability, autosomal recessive 53. Last evaluated: 2022-03-30. Review status: criteria provided, single submitter. Criteria: Invitae Variant Classification Sherloc (09022015). Collection method: clinical testing. Allele origin: germline.
Comment: In summary, the available evidence is currently insufficient to determine the role of this variant in disease. Therefore, it has been classified as a Variant of Uncertain Significance. Algorithms developed to predict the effect of missense changes on protein structure and function are either unavailable or do not agree on the potential impact of this missense change (SIFT: "Tolerated"; PolyPhen-2: "Probably Damaging"; Align-GVGD: "Class C0"). This variant has not been reported in the literature in individuals affected with PIGG-related conditions. This variant is not present in population databases (gnomAD no frequency). This sequence change replaces proline, which is neutral and non-polar, with alanine, which is neutral and non-polar, at codon 882 of the PIGG protein (p.Pro882Ala).

NM_001127178.3(PIGG):c.2644C>G (p.Pro882Ala)

Gene: PIGG (phosphatidylinositol glycan anchor biosynthesis class G (EMM blood group); plus strand). Cytogenetic location: 4p16.3.
Variant type: single nucleotide variant.
Coding change: c.2644C>G on transcript NM_001127178.3 (MANE Select); coding-DNA position 2644, C replaced by G.
Protein change: p.Pro882Ala; replaces proline 882 with alanine.
Molecular consequence: missense variant. On other transcripts: non-coding transcript variant (10).
Genome position (GRCh38, 1-based): chr4:533,890, C>G. VCF-style: chr4-533890-C-G. GRCh37 (hg19) VCF-style: chr4-527679-C-G.
Other names: c.1546C>G, p.Pro516Ala (NM_001345994.2); c.2620C>G, p.Pro874Ala (NM_017733.5); c.2377C>G, p.Pro793Ala (NM_001289051.2, NM_001345986.2); c.2245C>G, p.Pro749Ala (NM_001289052.2); c.2353C>G, p.Pro785Ala (NM_001345987.2); c.1615C>G, p.Pro539Ala (NM_001345988.2); c.1111C>G, p.Pro371Ala (NM_001345990.2, NM_001345991.2); short protein forms P516A, P749A, P539A, P793A, P874A, P371A, P785A, P882A.
Identifiers: ClinVar variation 2119700 (VCV002119700.4), dbSNP rs754519011, ClinGen allele CA355911161.